The following is an entry in ClinVar:

ClinVar aggregate classification (germline): Uncertain significance. Review status: criteria provided, multiple submitters, no conflicts (2 of 4 stars). 6 submissions from 6 submitters: Uncertain significance (6). Last evaluated 2025-12-02.

Conditions:
Cardiovascular phenotype. Identifiers: MedGen CN230736.
AKAP9-related disorder. Also called: AKAP9-related condition.
Long QT syndrome (LQTS). Identifiers: MedGen C0023976, MeSH D008133, MONDO:0002442. Disease mechanism: loss of function. Inheritance: Various modes of inheritance.

Submissions (6):

Labcorp Genetics (formerly Invitae), Labcorp
Classification: Uncertain significance for Long QT syndrome. Last evaluated: 2025-12-02. Review status: criteria provided, single submitter. Criteria: Invitae Variant Classification Sherloc (09022015). Collection method: clinical testing. Allele origin: germline.
Comment: This variant, c.7924_7926del, results in the deletion of 1 amino acid(s) of the AKAP9 protein (p.Lys2642del), but otherwise preserves the integrity of the reading frame. This variant is present in population databases (rs780094784, gnomAD 0.004%). This variant has not been reported in the literature in individuals affected with AKAP9-related conditions. ClinVar contains an entry for this variant (Variation ID: 191393). Experimental studies and prediction algorithms are not available or were not evaluated, and the functional significance of this variant is currently unknown. In summary, the available evidence is currently insufficient to determine the role of this variant in disease. Therefore, it has been classified as a Variant of Uncertain Significance.

Blueprint Genetics
Classification: Uncertain significance. Last evaluated: 2024-11-19. Review status: criteria provided, single submitter. Criteria: ACMG Guidelines, 2015. Collection method: clinical testing. Allele origin: germline.

Women's Health and Genetics/Laboratory Corporation of America, LabCorp
Classification: Uncertain significance. Last evaluated: 2023-10-19. Review status: criteria provided, single submitter. Criteria: LabCorp Variant Classification Summary - May 2015. Collection method: clinical testing. Allele origin: germline.
Comment: Variant summary: AKAP9 c.7924_7926delAAG (p.Lys2642del) results in an in-frame deletion that is predicted to remove one amino acid from the encoded protein. The variant allele was found at a frequency of 1.9e-05 in 205830 control chromosomes. The available data on variant occurrences in the general population are insufficient to allow any conclusion about variant significance. To our knowledge, no occurrence of c.7924_7926delAAG in individuals affected with Long QT Syndrome and no experimental evidence demonstrating its impact on protein function have been reported. Two submitters have cited clinical-significance assessments for this variant to ClinVar after 2014. All submitters classified the variant as uncertain significance. Based on the evidence outlined above, the variant was classified as uncertain significance.

PreventionGenetics, part of Exact Sciences
Classification: Uncertain significance for AKAP9-related condition. Last evaluated: 2023-07-19. Review status: criteria provided, single submitter. Criteria: ACMG Guidelines, 2015. Collection method: clinical testing. Allele origin: germline.
Comment: The AKAP9 c.7924_7926delAAG variant is predicted to result in an in-frame deletion (p.Lys2642del). To our knowledge, this variant has not been reported with AKAP9-related conditions. This variant is reported in 0.0040% of alleles in individuals of European (Non-Finnish) descent in gnomAD. At this time, the clinical significance of this variant is uncertain due to the absence of conclusive functional and genetic evidence.

Ambry Genetics
Classification: Uncertain significance for Cardiovascular phenotype. Last evaluated: 2020-06-15. Review status: criteria provided, single submitter. Criteria: Ambry Variant Classification Scheme 2023. Collection method: clinical testing. Allele origin: germline.
Comment: The c.7924_7926delAAG variant (also known as p.K2642del) is located in coding exon 31 of the AKAP9 gene. This variant results from an in-frame AAG deletion at nucleotide positions 7924 to 7926. This results in the in-frame deletion of a lysine at codon 2642. This alteration has been reported as a secondary cardiac variant in an exome cohort (Ng D et al. Circ Cardiovasc Genet, 2013 Aug;6:337-46). This amino acid position is not well conserved in available vertebrate species. In addition, this alteration is predicted to be inconclusive by in silico analysis (Choi Y et al. PLoS ONE. 2012; 7(10):e46688). Since supporting evidence is limited at this time, the clinical significance of this alteration remains unclear.

Biesecker Lab/Clinical Genomics Section, National Institutes of Health
Classification: Uncertain significance. Last evaluated: 2013-06-24. Review status: criteria provided, single submitter. Criteria: Ng et al. (Circ Cardiovasc Genet. 2013). Collection method: research. Allele origin: unknown. Observed: 1 variant allele. Study: ClinSeq.
Comment: The study set was not selected for affection status in relation to any cancer. Pathogenicity categories were based on literature curation. See Pubmed ID:23861362 for details.

Medical sequencing

Literature cited by the submitters: PubMed 23861362 (cited by Ambry Genetics).

NM_005751.5(AKAP9):c.7921AAG[1] (p.Lys2642del)

Gene: AKAP9 (A-kinase anchoring protein 9; plus strand). Cytogenetic location: 7q21.2.
Variant type: Microsatellite.
Coding change: c.7921AAG[1] on transcript NM_005751.5 (MANE Select); one copy of the 3-base unit AAG starting at c.7921; the reference has two copies in a row; one copy, 3 bases deleted; also written c.7924_7926del.
Protein change: p.Lys2642del; deletes lysine 2642.
Molecular consequence: inframe deletion.
Genome position (GRCh38, 1-based): chr7:92,080,057-92,080,059, AAG deleted; deleting any 3 consecutive bases within chr7:92,080,054-92,080,059 gives the same sequence; the position shown is the placement nearest the transcript's 3' end. VCF-style (leftmost placement, unchanged base first): chr7-92080053-AAAG-A. GRCh37 (hg19) VCF-style: chr7-91709367-AAAG-A.
Other names: c.2566AAG[1], p.Lys857del (NM_001379277.1); c.7897AAG[1], p.Lys2634del (NM_147185.3); c.7924_7926delAAG (NM_005751.5); c.7924_7926del (NM_005751.4); short protein forms K2642del, K2634del, K857del.
Identifiers: ClinVar variation 191393 (VCV000191393.9), dbSNP rs786205262, ClinGen allele CA236503.